The following is an entry in ClinVar:

ClinVar aggregate classification (germline): Pathogenic. Review status: criteria provided, single submitter (1 of 4 stars). 2 submissions from 2 submitters: Pathogenic (1). 1 of the submissions does not count toward it. Last evaluated 2016-07-01.

Conditions:
Ichthyosis, congenital, autosomal recessive 14. Identifiers: MedGen C4539754, MONDO:0033091, OMIM 617571.
Autosomal recessive congenital ichthyosis 2 (ARCI2). Identifiers: Orphanet 281122, Orphanet 79394, MedGen C3888093, MONDO:0009439, OMIM 242100.

Submissions (2):

Institute for Human Genetics, University Medical Center Freiburg
Classification: Pathogenic for Autosomal recessive congenital ichthyosis 2. Last evaluated: 2016-07-01. Review status: criteria provided, single submitter. Criteria: Heinz et al. (Am J Hum Genet. 2017 ). Collection method: clinical testing. Allele origin: germline. Affected: yes. Observed: 2 variant alleles.

OMIM
Classification: Pathogenic for ICHTHYOSIS, CONGENITAL, AUTOSOMAL RECESSIVE 14. Last evaluated: 2017-07-13. Review status: no assertion criteria provided. Collection method: literature only. Allele origin: germline. Not counted in ClinVar's aggregate classification.

Literature cited by the submitters: PubMed 28575648 (cited by OMIM).

NM_177973.2(SULT2B1):c.71+2T>A

Gene: SULT2B1 (sulfotransferase family 2B member 1; plus strand). Cytogenetic location: 19q13.33.
Variant type: single nucleotide variant.
Coding change: c.71+2T>A on transcript NM_177973.2 (MANE Select); the canonical splice donor site of the intron after coding-DNA position 71, T replaced by A.
Molecular consequence: splice donor variant.
Genome position (GRCh38, 1-based): chr19:48,552,325, T>A. VCF-style: chr19-48552325-T-A. GRCh37 (hg19) VCF-style: chr19-49055582-T-A.
Other names: IVS1DS, T-A, +2.
Identifiers: ClinVar variation 426110 (VCV000426110.6), dbSNP rs1114167426, ClinGen allele CA406698248.